The following is an entry in ClinVar:

ClinVar aggregate classification (germline): Uncertain significance (1 of 4 stars; one submission).

gnomAD v4.1: 14 of 1,608,060 alleles (0.00087%); highest among the groups gnomAD compares: East Asian, 0.0022%; no homozygotes.

Submission:

Labcorp Genetics (formerly Invitae), Labcorp
Classification: Uncertain significance. Last evaluated: 2024-03-07. Review status: criteria provided, single submitter. Criteria: Invitae Variant Classification Sherloc (09022015). Collection method: clinical testing. Allele origin: germline.
Comment: This sequence change replaces arginine, which is basic and polar, with cysteine, which is neutral and slightly polar, at codon 479 of the IL6ST protein (p.Arg479Cys). This variant is present in population databases (rs750312883, gnomAD 0.003%). This variant has not been reported in the literature in individuals affected with IL6ST-related conditions. An algorithm developed to predict the effect of missense changes on protein structure and function (PolyPhen-2) suggests that this variant is likely to be tolerated. Algorithms developed to predict the effect of sequence changes on RNA splicing suggest that this variant may disrupt the consensus splice site. In summary, the available evidence is currently insufficient to determine the role of this variant in disease. Therefore, it has been classified as a Variant of Uncertain Significance.

NM_002184.4(IL6ST):c.1435C>T (p.Arg479Cys)

Gene: IL6ST (interleukin 6 cytokine family signal transducer; minus strand). Cytogenetic location: 5q11.2.
Variant type: single nucleotide variant.
Coding change: c.1435C>T on transcript NM_002184.4 (MANE Select); coding-DNA position 1435, C replaced by T.
Protein change: p.Arg479Cys; replaces arginine 479 with cysteine.
Molecular consequence: missense variant. On other transcripts: 3 prime UTR variant (1), non-coding transcript variant (2), intron variant (1).
Genome position (GRCh38, 1-based): chr5:55,954,825, G>A on the plus strand (C>T on the coding strand, the complement: IL6ST is on the minus strand). VCF-style: chr5-55954825-G-A. GRCh37 (hg19) VCF-style: chr5-55250653-G-A.
Other names: c.1435C>T, p.Arg479Cys (NM_001364275.2); c.1225C>T, p.Arg409Cys (NM_001364276.2); c.568C>T, p.Arg190Cys (NM_001364277.2); c.532C>T, p.Arg178Cys (NM_001364278.2); c.439C>T, p.Arg147Cys (NM_001364279.2); c.*362C>T (NM_175767.3); c.1267+1200C>T (NM_001190981.2); short protein forms R178C, R190C, R147C, R409C, R479C.
Identifiers: ClinVar variation 3716154 (VCV003716154.2).